The following is an entry in ClinVar:

ClinVar aggregate classification (germline): Benign. Review status: criteria provided, single submitter (1 of 4 stars). 2 submissions from 2 submitters: Benign (1). 1 of the submissions does not count toward it. Last evaluated 2025-12-23.

Conditions:
TRPV6-related disorder. Also called: TRPV6-related condition.

Allele frequency attached by ClinVar (database versions not stated): gnomAD 0.00029; TOPMed 0.00008; ExAC 0.00080; 1000 Genomes Project 30x 0.00219; 1000 Genomes Project 0.00220.
gnomAD v4.1: 656 of 1,614,184 alleles (0.041%); highest among the groups gnomAD compares: South Asian, 0.62%; 8 homozygotes.

Submissions (2):

Labcorp Genetics (formerly Invitae), Labcorp
Classification: Benign. Last evaluated: 2025-12-23. Review status: criteria provided, single submitter. Criteria: Invitae Variant Classification Sherloc (09022015). Collection method: clinical testing. Allele origin: germline.

PreventionGenetics, part of Exact Sciences
Classification: Likely benign for TRPV6-related condition. Last evaluated: 2019-06-21. Review status: no assertion criteria provided. Collection method: clinical testing. Allele origin: germline. Not counted in ClinVar's aggregate classification.
Comment: This variant is classified as likely benign based on ACMG/AMP sequence variant interpretation guidelines (Richards et al. 2015 PMID: 25741868, with internal and published modifications).

NM_018646.6(TRPV6):c.1981C>T (p.Arg661Trp)

Gene: TRPV6 (transient receptor potential cation channel subfamily V member 6; minus strand). Cytogenetic location: 7q34.
Variant type: single nucleotide variant.
Coding change: c.1981C>T on transcript NM_018646.6 (MANE Select); coding-DNA position 1981, C replaced by T.
Protein change: p.Arg661Trp; replaces arginine 661 with tryptophan.
Molecular consequence: missense variant.
Genome position (GRCh38, 1-based): chr7:142,872,406, G>A on the plus strand (C>T on the coding strand, the complement: TRPV6 is on the minus strand). VCF-style: chr7-142872406-G-A. GRCh37 (hg19) VCF-style: chr7-142570159-G-A.
Other names: short protein forms R661W.
Identifiers: ClinVar variation 3043515 (VCV003043515.4), dbSNP rs201887033, ClinGen allele CA4532353.